The following is an entry in ClinVar:

ClinVar aggregate classification (germline): Benign/Likely benign. Review status: criteria provided, multiple submitters, no conflicts (2 of 4 stars). 3 submissions from 3 submitters: Benign (1); Likely benign (2). Last evaluated 2025-02-03.

Conditions:
Hereditary cancer-predisposing syndrome. Also called: Hereditary neoplastic syndrome; Hereditary Cancer Syndrome; Neoplastic Syndromes, Hereditary; Tumor predisposition. Identifiers: Orphanet 140162, MedGen C0027672, MeSH D009386, MONDO:0015356.
Lynch syndrome 4 (LYNCH4). Also called: Colorectal cancer, hereditary nonpolyposis, type 4; Hereditary non-polyposis colorectal cancer, type 4. Identifiers: Orphanet 144, MedGen C1838333, MONDO:0013699, OMIM 614337. Disease mechanism: loss of function.
Hereditary nonpolyposis colorectal neoplasms. Identifiers: MedGen C0009405, MeSH D003123.

Submissions (3):

Myriad Genetics, Inc.
Classification: Benign for Lynch syndrome 4. Last evaluated: 2025-02-03. Review status: criteria provided, single submitter. Criteria: Myriad Autosomal Dominant, Autosomal Recessive and X-Linked Classification Criteria (2023). Collection method: clinical testing. Allele origin: unknown.
Comment: This variant is considered benign. This variant is a silent/synonymous amino acid change and it is not expected to impact splicing.

Labcorp Genetics (formerly Invitae), Labcorp
Classification: Likely benign for Hereditary nonpolyposis colorectal neoplasms. Last evaluated: 2023-09-15. Review status: criteria provided, single submitter. Criteria: Invitae Variant Classification Sherloc (09022015). Collection method: clinical testing. Allele origin: germline.

Ambry Genetics
Classification: Likely benign for Hereditary cancer-predisposing syndrome. Last evaluated: 2020-10-14. Review status: criteria provided, single submitter. Criteria: Ambry Variant Classification Scheme 2023. Collection method: clinical testing. Allele origin: germline.

NM_000535.7(PMS2):c.2223A>G (p.Glu741=)

Gene: PMS2 (PMS1 homolog 2, mismatch repair system component; minus strand). Cytogenetic location: 7p22.1.
Variant type: single nucleotide variant.
Coding change: c.2223A>G on transcript NM_000535.7 (MANE Select); coding-DNA position 2223, A replaced by G.
Protein change: p.Glu741=; no amino-acid change (glutamic acid 741 retained).
Molecular consequence: synonymous variant. On other transcripts: non-coding transcript variant (1).
Genome position (GRCh38, 1-based): chr7:5,978,648, T>C on the plus strand (A>G on the coding strand, the complement: PMS2 is on the minus strand). VCF-style: chr7-5978648-T-C. GRCh37 (hg19) VCF-style: chr7-6018279-T-C.
Other names: c.1818A>G, p.Glu606= (NM_001322003.2, NM_001322004.2, NM_001322005.2 and 1 more transcripts); c.2067A>G, p.Glu689= (NM_001322006.2); c.1905A>G, p.Glu635= (NM_001322007.2, NM_001322008.2); c.1662A>G, p.Glu554= (NM_001322010.2); c.1290A>G, p.Glu430= (NM_001322011.2, NM_001322012.2); c.1650A>G, p.Glu550= (NM_001322013.2); c.2223A>G, p.Glu741= (NM_001322014.2); c.1914A>G, p.Glu638= (NM_001322015.2).
Identifiers: ClinVar variation 1114914 (VCV001114914.12), dbSNP rs2128682957, ClinGen allele CA453642677.